The following is an entry in ClinVar:

NM_001330260.2(SCN8A):c.3787G>A (p.Ala1263Thr)

Gene: SCN8A (sodium voltage-gated channel alpha subunit 8; plus strand). Cytogenetic location: 12q13.13.
Variant type: single nucleotide variant.
Coding change: c.3787G>A on transcript NM_001330260.2 (MANE Select); coding-DNA position 3787, G replaced by A.
Protein change: p.Ala1263Thr; replaces alanine 1263 with threonine.
Molecular consequence: missense variant.
Genome position (GRCh38, 1-based): chr12:51,774,330, G>A. VCF-style: chr12-51774330-G-A. GRCh37 (hg19) VCF-style: chr12-52168114-G-A.
Other names: c.3787G>A, p.Ala1263Thr (NM_001177984.3, NM_001369788.1, NM_014191.4); c.3787G>A (NM_014191.3); short protein forms A1263T.
Identifiers: ClinVar variation 3635197 (VCV003635197.3).

ClinVar aggregate classification (germline): Uncertain significance. Review status: criteria provided, multiple submitters, no conflicts (2 of 4 stars). 2 submissions from 2 submitters: Uncertain significance (2). Last evaluated 2025-06-20.

Conditions:
Early-infantile DEE. Also called: Early infantile epileptic encephalopathy; Ohtahara syndrome; Early infantile epileptic encephalopathy with suppression bursts. Identifiers: Orphanet 1934, MedGen C0393706, MONDO:0800491.
SCN8A-related disorder.

Submissions (2):

PreventionGenetics, part of Exact Sciences
Classification: Uncertain significance for SCN8A-related condition. Last evaluated: 2025-06-20. Review status: criteria provided, single submitter. Criteria: ACMG Guidelines, 2015. Collection method: clinical testing. Allele origin: germline.
Comment: The SCN8A c.3787G>A variant is predicted to result in the amino acid substitution p.Ala1263Thr. To our knowledge, this variant has not been reported in the literature or in a large population database (gnomAD), indicating this variant is rare. At this time, the clinical significance of this variant is uncertain due to the absence of conclusive functional and genetic evidence.

Labcorp Genetics (formerly Invitae), Labcorp
Classification: Uncertain significance for Early-infantile DEE. Last evaluated: 2024-12-24. Review status: criteria provided, single submitter. Criteria: Invitae Variant Classification Sherloc (09022015). Collection method: clinical testing. Allele origin: germline.
Comment: This sequence change replaces alanine, which is neutral and non-polar, with threonine, which is neutral and polar, at codon 1263 of the SCN8A protein (p.Ala1263Thr). This variant is not present in population databases (gnomAD no frequency). This variant has not been reported in the literature in individuals affected with SCN8A-related conditions. Invitae Evidence Modeling of protein sequence and biophysical properties (such as structural, functional, and spatial information, amino acid conservation, physicochemical variation, residue mobility, and thermodynamic stability) indicates that this missense variant is expected to disrupt SCN8A protein function with a positive predictive value of 95%. In summary, the available evidence is currently insufficient to determine the role of this variant in disease. Therefore, it has been classified as a Variant of Uncertain Significance.